The following is an entry in ClinVar:

ClinVar aggregate classification (germline): Uncertain significance. Review status: criteria provided, multiple submitters, no conflicts (2 of 4 stars). 2 submissions from 2 submitters: Uncertain significance (2). Last evaluated 2025-09-10.

Conditions:
Inborn genetic diseases. Identifiers: MedGen C0950123, MeSH D030342.
Pitt-Hopkins-like syndrome 2 (PTHSL2). Identifiers: Orphanet 221150, Orphanet 600663, MedGen C3280479, MONDO:0013690, OMIM 614325.

Allele frequency attached by ClinVar (database versions not stated): TOPMed 0.00003; ExAC 0.00004; gnomAD exomes 0.00004; ESP Exome Variant Server 0.00008.
gnomAD v4.1: 59 of 1,613,172 alleles (0.0037%); highest among the groups gnomAD compares: Middle Eastern, 0.033%; no homozygotes.

Submissions (2):

Labcorp Genetics (formerly Invitae), Labcorp
Classification: Uncertain significance for Pitt-Hopkins-like syndrome 2. Last evaluated: 2025-09-10. Review status: criteria provided, single submitter. Criteria: Invitae Variant Classification Sherloc (09022015). Collection method: clinical testing. Allele origin: germline.
Comment: This sequence change replaces valine, which is neutral and non-polar, with isoleucine, which is neutral and non-polar, at codon 1204 of the NRXN1 protein (p.Val1204Ile). This variant is present in population databases (rs201881725, gnomAD 0.02%). This variant has not been reported in the literature in individuals affected with NRXN1-related conditions. ClinVar contains an entry for this variant (Variation ID: 943222). Invitae Evidence Modeling of protein sequence and biophysical properties (such as structural, functional, and spatial information, amino acid conservation, physicochemical variation, residue mobility, and thermodynamic stability) indicates that this missense variant is not expected to disrupt NRXN1 protein function with a negative predictive value of 80%. In summary, the available evidence is currently insufficient to determine the role of this variant in disease. Therefore, it has been classified as a Variant of Uncertain Significance.

Ambry Genetics
Classification: Uncertain significance for Inborn genetic diseases. Last evaluated: 2019-10-15. Review status: criteria provided, single submitter. Criteria: Ambry Variant Classification Scheme 2023. Collection method: clinical testing. Allele origin: germline.
Comment: The p.V1204I variant (also known as c.3610G>A), located in coding exon 18 of the NRXN1 gene, results from a G to A substitution at nucleotide position 3610. The valine at codon 1204 is replaced by isoleucine, an amino acid with highly similar properties. This amino acid position is well conserved in available vertebrate species. In addition, this alteration is predicted to be tolerated by in silico analysis. Since supporting evidence is limited at this time, the clinical significance of this alteration remains unclear.

NM_001330078.2(NRXN1):c.3490G>A (p.Val1164Ile)

Gene: NRXN1 (neurexin 1; minus strand). Cytogenetic location: 2p16.3.
Variant type: single nucleotide variant.
Coding change: c.3490G>A on transcript NM_001330078.2 (MANE Select); coding-DNA position 3490, G replaced by A.
Protein change: p.Val1164Ile; replaces valine 1164 with isoleucine.
Molecular consequence: missense variant.
Genome position (GRCh38, 1-based): chr2:50,236,845, C>T on the plus strand (G>A on the coding strand, the complement: NRXN1 is on the minus strand). VCF-style: chr2-50236845-C-T. GRCh37 (hg19) VCF-style: chr2-50463983-C-T.
Other names: c.3610G>A, p.Val1204Ile (NM_001135659.3); c.3466G>A, p.Val1156Ile (NM_001330077.2, NM_001330082.2); c.3424G>A, p.Val1142Ile (NM_001330083.2, NM_001330084.2); c.3463G>A, p.Val1155Ile (NM_001330085.2); c.3490G>A, p.Val1164Ile (NM_001330086.2, NM_004801.6); c.3379G>A, p.Val1127Ile (NM_001330087.2, NM_001330096.2); c.3409G>A, p.Val1137Ile (NM_001330088.2); c.385G>A, p.Val129Ile (NM_001330091.2, NM_001330092.2, NM_001330097.2 and 1 more transcripts); and 3 more; short protein forms V1142I, V1155I, V1163I, V1204I, V129I, V1127I, V1137I, V1147I.
Identifiers: ClinVar variation 943222 (VCV000943222.9), dbSNP rs201881725, ClinGen allele CA1654451.
Genomic context (GRCh38, chr2:50,236,845, plus strand): 5'-TTACTATATGCAGTTCTAGGTAGTCACCCAAGCCTGAAGAACTGTCCACTCGCACCAATA[C>T]GGCTTCTTTCTGAACAGTGCTAAAACCTATGGCCAGTCTGTCTGCTCGTGTACTGGGTCG-3'
Protein context (NP_001317007.1, residues 1154-1174): IGFSTVQKEA[Val1164Ile]LVRVDSSSGL